The following is an entry in ClinVar:

ClinVar aggregate classification (germline): Uncertain significance (1 of 4 stars; one submission).

Conditions:
Hereditary cancer-predisposing syndrome. Also called: Neoplastic Syndromes, Hereditary; Tumor predisposition; Hereditary Cancer Syndrome; Hereditary neoplastic syndrome. Identifiers: Orphanet 140162, MedGen C0027672, MeSH D009386, MONDO:0015356.

gnomAD v4.1: 2 of 1,614,052 alleles (0.00012%); highest among the groups gnomAD compares: African/African-American, 0.0013%; no homozygotes.

Submission:

Ambry Genetics
Classification: Uncertain significance for Hereditary cancer-predisposing syndrome. Last evaluated: 2025-09-19. Review status: criteria provided, single submitter. Criteria: Ambry Variant Classification Scheme 2023. Collection method: clinical testing. Allele origin: germline.
Comment: The p.A427V variant (also known as c.1280C>T), located in coding exon 12 of the FANCC gene, results from a C to T substitution at nucleotide position 1280. The alanine at codon 427 is replaced by valine, an amino acid with similar properties. This amino acid position is conserved. In addition, this alteration is predicted to be tolerated by in silico analysis. Based on the available evidence, the clinical significance of this variant remains unclear.

NM_000136.3(FANCC):c.1280C>T (p.Ala427Val)

Genes: FANCC (FA complementation group C; minus strand), AOPEP (aminopeptidase O (putative); plus strand). Cytogenetic location: 9q22.32.
Variant type: single nucleotide variant.
Coding change: c.1280C>T on transcript NM_000136.3 (MANE Select); coding-DNA position 1280, C replaced by T.
Protein change: p.Ala427Val; replaces alanine 427 with valine.
Molecular consequence: missense variant.
Genome position (GRCh38, 1-based): chr9:95,111,512, G>A on the plus strand (C>T on the coding strand, the complement: FANCC is on the minus strand). VCF-style: chr9-95111512-G-A. GRCh37 (hg19) VCF-style: chr9-97873794-G-A.
Other names: c.1280C>T, p.Ala427Val (NM_001243743.2, NM_001243744.2); short protein forms A427V.
Identifiers: ClinVar variation 4640997 (VCV004640997.1).